The following is an entry in ClinVar:

NM_013450.4(BAZ2B):c.4531G>A (p.Val1511Ile)

Genes: BAZ2B (bromodomain adjacent to zinc finger domain 2B; minus strand), LOC126806390 (CDK7 strongly-dependent group 2 enhancer GRCh37_chr2:160205700-160206899; plus strand). Cytogenetic location: 2q24.2.
Variant type: single nucleotide variant.
Coding change: c.4531G>A on transcript NM_013450.4 (MANE Select); coding-DNA position 4531, G replaced by A.
Protein change: p.Val1511Ile; replaces valine 1511 with isoleucine.
Molecular consequence: missense variant.
Genome position (GRCh38, 1-based): chr2:159,350,040, C>T on the plus strand (G>A on the coding strand, the complement: BAZ2B is on the minus strand). VCF-style: chr2-159350040-C-T. GRCh37 (hg19) VCF-style: chr2-160206551-C-T.
Other names: c.4423G>A, p.Val1475Ile (NM_001289975.1); c.4369G>A, p.Val1457Ile (NM_001329857.2); c.4456G>A, p.Val1486Ile (NM_001329858.2); short protein forms V1457I, V1475I, V1486I, V1511I.
Identifiers: ClinVar variation 4533842 (VCV004533842.6).

ClinVar aggregate classification (germline): Likely benign (1 of 4 stars; one submission).

gnomAD v4.1: 351 of 1,614,134 alleles (0.022%); highest among the groups gnomAD compares: Non-Finnish European, 0.026%; no homozygotes.

Submission:

CeGaT Center for Human Genetics Tuebingen
Classification: Likely benign. Last evaluated: 2025-11-01. Review status: criteria provided, single submitter. Criteria: CeGaT Center For Human Genetics Tuebingen Variant Classification Criteria Version 2. Collection method: clinical testing. Allele origin: germline. Affected: yes. Observed: 1 variant allele.
Comment: BAZ2B: BP4